The following is an entry in ClinVar:

ClinVar aggregate classification (germline): Likely pathogenic. Review status: criteria provided, multiple submitters, no conflicts (2 of 4 stars). 4 submissions from 4 submitters: Likely pathogenic (4). Last evaluated 2025-08-14.

Conditions:
CERKL-related disorders.
Retinitis pigmentosa 26 (RP26). Identifiers: Orphanet 791, MedGen C1842127, MONDO:0012024, OMIM 608380.

Submissions (4):

Natera, Inc.
Classification: Likely pathogenic for Retinitis Pigmentosa 26. Last evaluated: 2025-08-14. Review status: criteria provided, single submitter. Criteria: Natera Variant Classification Schema (03/2026). Collection method: clinical testing. Allele origin: germline.
Comment: The c.1443+1G>A variant in CERKL is a canonical splice donor site variant predicted to affect pre-mRNA splicing, which may result in an abnormal transcript and altered protein product. This variant is expected to result in nonsense mediated decay, truncation, or a dysfunctional protein product. This variant is rare in the general population with a frequency below the threshold expected for the associated phenotype(s). Given the available evidence, this variant is classified as Likely Pathogenic.

Baylor Genetics
Classification: Likely pathogenic for Retinitis pigmentosa 26. Last evaluated: 2024-02-03. Review status: criteria provided, single submitter. Criteria: ACMG Guidelines, 2015. Collection method: clinical testing. Allele origin: unknown.

Labcorp Genetics (formerly Invitae), Labcorp
Classification: Likely pathogenic. Last evaluated: 2023-06-25. Review status: criteria provided, single submitter. Criteria: Invitae Variant Classification Sherloc (09022015). Collection method: clinical testing. Allele origin: germline.
Comment: In summary, the currently available evidence indicates that the variant is pathogenic, but additional data are needed to prove that conclusively. Therefore, this variant has been classified as Likely Pathogenic. Algorithms developed to predict the effect of sequence changes on RNA splicing suggest that this variant may disrupt the consensus splice site. ClinVar contains an entry for this variant (Variation ID: 963421). Disruption of this splice site has been observed in individual(s) with clinical features of retinitis pigmentosa (Invitae). This variant is not present in population databases (gnomAD no frequency). This sequence change affects a donor splice site in intron 12 of the CERKL gene. It is expected to disrupt RNA splicing. Variants that disrupt the donor or acceptor splice site typically lead to a loss of protein function (PMID: 16199547), and loss-of-function variants in CERKL are known to be pathogenic (PMID: 14681825, 23591405, 24043777).

Blueprint Genetics
Classification: Likely pathogenic for CERKL-related disorders. Last evaluated: 2021-10-22. Review status: criteria provided, single submitter. Criteria: ACMG Guidelines, 2015. Collection method: clinical testing. Allele origin: germline. Affected: yes. Observed: 2 variant alleles.

Literature cited by the submitters: PubMed 16199547 (cited by Labcorp Genetics (formerly Invitae), Labcorp); PubMed 14681825 (cited by Labcorp Genetics (formerly Invitae), Labcorp); PubMed 23591405 (cited by Labcorp Genetics (formerly Invitae), Labcorp); PubMed 24043777 (cited by Labcorp Genetics (formerly Invitae), Labcorp).

NM_201548.5(CERKL):c.1365+1G>A

Gene: CERKL (CERK like autophagy regulator; minus strand). Cytogenetic location: 2q31.3.
Variant type: single nucleotide variant.
Coding change: c.1365+1G>A on transcript NM_201548.5 (MANE Select); the canonical splice donor site of the intron after coding-DNA position 1365, G replaced by A.
Molecular consequence: splice donor variant.
Genome position (GRCh38, 1-based): chr2:181,544,699, C>T on the plus strand (G>A on the coding strand, the complement: CERKL is on the minus strand). VCF-style: chr2-181544699-C-T. GRCh37 (hg19) VCF-style: chr2-182409426-C-T.
Other names: c.1026+1G>A (NM_001030312.3); c.1311+1G>A (NM_001160277.2); c.1158+1G>A (NM_001030313.3); c.1443+1G>A (NM_001030311.3).
Identifiers: ClinVar variation 963421 (VCV000963421.13), dbSNP rs1687649007, ClinGen allele CA349734326.